The following is an entry in ClinVar:

NM_002354.3(EPCAM):c.479A>T (p.Lys160Ile)

Gene: EPCAM (epithelial cell adhesion molecule; plus strand). Cytogenetic location: 2p21.
Variant type: single nucleotide variant.
Coding change: c.479A>T on transcript NM_002354.3 (MANE Select); coding-DNA position 479, A replaced by T.
Protein change: p.Lys160Ile; replaces lysine 160 with isoleucine.
Molecular consequence: missense variant.
Genome position (GRCh38, 1-based): chr2:47,375,287, A>T. VCF-style: chr2-47375287-A-T. GRCh37 (hg19) VCF-style: chr2-47602426-A-T.
Other names: short protein forms K160I.
Identifiers: ClinVar variation 3509187 (VCV003509187.1).

ClinVar aggregate classification (germline): Uncertain significance (1 of 4 stars; one submission).

Conditions:
Hereditary cancer-predisposing syndrome. Also called: Tumor predisposition; Neoplastic Syndromes, Hereditary; Hereditary Cancer Syndrome; Hereditary neoplastic syndrome. Identifiers: Orphanet 140162, MedGen C0027672, MeSH D009386, MONDO:0015356.

Submission:

Ambry Genetics
Classification: Uncertain significance for Hereditary cancer-predisposing syndrome. Last evaluated: 2024-09-30. Review status: criteria provided, single submitter. Criteria: Ambry Variant Classification Scheme 2023. Collection method: clinical testing. Allele origin: germline.
Comment: The p.K160I variant (also known as c.479A>T), located in coding exon 4 of the EPCAM gene, results from an A to T substitution at nucleotide position 479. The lysine at codon 160 is replaced by isoleucine, an amino acid with dissimilar properties. This amino acid position is conserved. In addition, this alteration is predicted to be tolerated by in silico analysis. Based on the available evidence, the clinical significance of this variant remains unclear.